The following is an entry in ClinVar:

NM_003872.3(NRP2):c.2089G>A (p.Gly697Ser)

Gene: NRP2 (neuropilin 2; plus strand). Cytogenetic location: 2q33.3.
Variant type: single nucleotide variant.
Coding change: c.2089G>A on transcript NM_003872.3 (MANE Select); coding-DNA position 2089, G replaced by A.
Protein change: p.Gly697Ser; replaces glycine 697 with serine.
Molecular consequence: missense variant.
Genome position (GRCh38, 1-based): chr2:205,763,718, G>A. VCF-style: chr2-205763718-G-A. GRCh37 (hg19) VCF-style: chr2-206628442-G-A.
Other names: c.2089G>A, p.Gly697Ser (NM_018534.4, NM_201266.2, NM_201267.2 and 1 more transcripts); short protein forms G697S.
Identifiers: ClinVar variation 3407889 (VCV003407889.2).

ClinVar aggregate classification (germline): Uncertain significance. Review status: criteria provided, multiple submitters, no conflicts (2 of 4 stars). 2 submissions from 2 submitters: Uncertain significance (2). Last evaluated 2026-05-07.

Conditions:
NRP2-related disorder. Also called: NRP2-related condition.

gnomAD v4.1: 6 of 1,614,220 alleles (0.00037%); highest among the groups gnomAD compares: Non-Finnish European, 0.00051%; no homozygotes.

Submissions (2):

PreventionGenetics, part of Exact Sciences
Classification: Uncertain significance for NRP2-related condition. Last evaluated: 2026-05-07. Review status: criteria provided, single submitter. Criteria: ACMG Guidelines, 2015. Collection method: clinical testing. Allele origin: germline.
Comment: The NRP2 c.2089G>A variant is predicted to result in the amino acid substitution p.Gly697Ser. To our knowledge, this variant has not been reported in the literature or in a large population database (gnomAD), indicating this variant is rare. At this time, the clinical significance of this variant is uncertain due to the absence of conclusive functional and genetic evidence.

Ambry Genetics
Classification: Uncertain significance. Last evaluated: 2024-12-03. Review status: criteria provided, single submitter. Criteria: Ambry Variant Classification Scheme 2023. Collection method: clinical testing. Allele origin: germline.